The following is an entry in ClinVar:

ClinVar aggregate classification (germline): Likely pathogenic (1 of 4 stars; one submission).

Conditions:
Hyperphosphatasia with impaired intellectual development syndrome 4. Also called: GLYCOSYLPHOSPHATIDYLINOSITOL BIOSYNTHESIS DEFECT 10; Hyperphosphatasia with intellectual disability syndrome 4. Identifiers: Orphanet 247262, MedGen C3810354, MONDO:0014318, OMIM 615716.

Submission:

University of Washington Department of Laboratory Medicine, University of Washington
Classification: Likely pathogenic for Hyperphosphatasia with impaired intellectual development syndrome 4. Last evaluated: 2022-10-17. Review status: criteria provided, single submitter. Criteria: ACMG Guidelines, 2015. Collection method: clinical testing. Allele origin: maternal. Affected: yes.
Comment: The c.900-1G>A variant in the PGAP3 gene has not been previously reported in association with disease and was absent from large population databases, including the Genome Aggregation Database. This variant alters the canonical acceptor splice site in intron 7 of 7, which is predicted to result in abnormal splicing into the last exon. These predictions have not been tested directly. Variants resulting in likely loss of function are commonly described with disease and have been described in the last exon of the PGAP3 gene. Using ACMG guidelines, this variant was classified as likely pathogenic for autosomal recessive hyperphosphatasia with impaired intellectual development syndrome (ACMG evidence codes used: PVS1, PM2_supporting).

NM_033419.5(PGAP3):c.900-1G>A

Gene: PGAP3 (post-GPI attachment to proteins phospholipase 3; minus strand). Cytogenetic location: 17q12.
Variant type: single nucleotide variant.
Coding change: c.900-1G>A on transcript NM_033419.5 (MANE Select); the canonical splice acceptor site of the intron before coding-DNA position 900, G replaced by A.
Molecular consequence: splice acceptor variant.
Genome position (GRCh38, 1-based): chr17:39,672,867, C>T on the plus strand (G>A on the coding strand, the complement: PGAP3 is on the minus strand). VCF-style: chr17-39672867-C-T. GRCh37 (hg19) VCF-style: chr17-37829120-C-T.
Other names: c.747-1G>A (NM_001291726.2); c.433-1G>A (NM_001291733.2); c.495-1G>A (NM_001291732.2); c.837-1G>A (NM_001291728.2); c.558-1G>A (NM_001291730.2); c.900-1G>A (NM_033419.4).
Identifiers: ClinVar variation 3777111 (VCV003777111.1).